The following is an entry in ClinVar:

ClinVar aggregate classification (germline): Uncertain significance (1 of 4 stars; one submission).

gnomAD v4.1: 5 of 1,609,442 alleles (0.00031%); highest among the groups gnomAD compares: Non-Finnish European, 0.00042%; no homozygotes.

Submission:

Labcorp Genetics (formerly Invitae), Labcorp
Classification: Uncertain significance. Last evaluated: 2025-09-28. Review status: criteria provided, single submitter. Criteria: Invitae Variant Classification Sherloc (09022015). Collection method: clinical testing. Allele origin: germline.
Comment: This sequence change replaces alanine, which is neutral and non-polar, with serine, which is neutral and polar, at codon 2893 of the TRRAP protein (p.Ala2893Ser). The frequency data for this variant in the population databases is considered unreliable, as metrics indicate poor data quality at this position in the gnomAD database. This variant has not been reported in the literature in individuals affected with TRRAP-related conditions. Invitae Evidence Modeling of protein sequence and biophysical properties (such as structural, functional, and spatial information, amino acid conservation, physicochemical variation, residue mobility, and thermodynamic stability) indicates that this missense variant is not expected to disrupt TRRAP protein function with a negative predictive value of 80%. In summary, the available evidence is currently insufficient to determine the role of this variant in disease. Therefore, it has been classified as a Variant of Uncertain Significance.

NM_001375524.1(TRRAP):c.8752G>T (p.Ala2918Ser)

Gene: TRRAP (transformation/transcription domain associated protein; plus strand). Cytogenetic location: 7q22.1.
Variant type: single nucleotide variant.
Coding change: c.8752G>T on transcript NM_001375524.1 (MANE Select); coding-DNA position 8752, G replaced by T.
Protein change: p.Ala2918Ser; replaces alanine 2918 with serine.
Molecular consequence: missense variant.
Genome position (GRCh38, 1-based): chr7:98,981,886, G>T. VCF-style: chr7-98981886-G-T. GRCh37 (hg19) VCF-style: chr7-98579509-G-T.
Other names: c.8731G>T, p.Ala2911Ser (NM_001244580.2); c.8677G>T, p.Ala2893Ser (NM_003496.4); short protein forms A2918S, A2893S, A2911S.
Identifiers: ClinVar variation 4692020 (VCV004692020.1).
Genomic context (GRCh38, chr7:98,981,886, plus strand): 5'-CTGGCCATCTGCCACCCCGAGGAGCAGCAGCTCAGCTTCATCGAGCGCCTGGTGGAGATG[G>T]CCAGCAGCCTGGCCATCCGCGAGTGGCGGCGGCTGCCCCACGTAGTGTCCCACGTGCACA-3'
Protein context (NP_001362453.1, residues 2908-2928): LSFIERLVEM[Ala2918Ser]SSLAIREWRR